The following is an entry in ClinVar:

ClinVar aggregate classification (germline): Uncertain significance (1 of 4 stars; one submission).

gnomAD v4.1: 459 of 1,601,766 alleles (0.029%); highest among the groups gnomAD compares: Non-Finnish European, 0.038%; 1 homozygote.

Submission:

Labcorp Genetics (formerly Invitae), Labcorp
Classification: Uncertain significance. Last evaluated: 2025-10-22. Review status: criteria provided, single submitter. Criteria: Invitae Variant Classification Sherloc (09022015). Collection method: clinical testing. Allele origin: germline.
Comment: This sequence change falls in intron 1 of the SIM1 gene. It does not directly change the encoded amino acid sequence of the SIM1 protein. It affects a nucleotide within the consensus splice site. This variant is present in population databases (rs375541512, gnomAD 0.03%), and has an allele count higher than expected for a pathogenic variant. This variant has not been reported in the literature in individuals affected with SIM1-related conditions. Variants that disrupt the consensus splice site are a relatively common cause of aberrant splicing (PMID: 17576681, 9536098). Algorithms developed to predict the effect of sequence changes on RNA splicing suggest that this variant is not likely to affect RNA splicing. In summary, the available evidence is currently insufficient to determine the role of this variant in disease. Therefore, it has been classified as a Variant of Uncertain Significance.

Literature cited by the submitters: PubMed 17576681; PubMed 9536098.

NM_005068.3(SIM1):c.175+6T>A

Gene: SIM1 (SIM bHLH transcription factor 1; minus strand). Cytogenetic location: 6q16.3.
Variant type: single nucleotide variant.
Coding change: c.175+6T>A on transcript NM_005068.3 (MANE Select); 6 bases into the intron after coding-DNA position 175, T replaced by A.
Molecular consequence: intron variant.
Genome position (GRCh38, 1-based): chr6:100,463,288, A>T on the plus strand (T>A on the coding strand, the complement: SIM1 is on the minus strand). VCF-style: chr6-100463288-A-T. GRCh37 (hg19) VCF-style: chr6-100911164-A-T.
Other names: c.175+6T>A (NM_001374769.1).
Identifiers: ClinVar variation 4812197 (VCV004812197.1).